The following is an entry in ClinVar:

ClinVar aggregate classification (germline): Uncertain significance (1 of 4 stars; one submission).

Conditions:
Deafness-lymphedema-leukemia syndrome. Also called: Lymphedema, primary, with myelodysplasia; Emberger syndrome. Identifiers: Orphanet 3226, MedGen C3279664, MONDO:0013540, OMIM 614038.
Monocytopenia with susceptibility to infections. Also called: IMMUNODEFICIENCY 21; MONOCYTOPENIA AND MYCOBACTERIAL INFECTION SYNDROME; MONOCYTOPENIA WITH SUSCEPTIBILITY TO MYCOBACTERIAL, FUNGAL, AND PAPILLOMAVIRUS INFECTIONS AND MYELODYSPLASIA; COMBINED IMMUNODEFICIENCY WITH SUSCEPTIBILITY TO MYCOBACTERIAL, VIRAL, AND FUNGAL INFECTIONS; GATA2 DEFICIENCY; Dendritic cell, monocyte, B lymphocyte, and natural killer lymphocyte deficiency. Identifiers: Orphanet 228423, MedGen C3280030, MONDO:0013607, OMIM 614172.

Allele frequency attached by ClinVar (database versions not stated): gnomAD exomes 0.00001.

Submission:

Labcorp Genetics (formerly Invitae), Labcorp
Classification: Uncertain significance for Monocytopenia with susceptibility to infections; Deafness-lymphedema-leukemia syndrome. Last evaluated: 2018-10-03. Review status: criteria provided, single submitter. Criteria: Invitae Variant Classification Sherloc (09022015). Collection method: clinical testing. Allele origin: germline.
Comment: This sequence change replaces proline with leucine at codon 142 of the GATA2 protein (p.Pro142Leu). The proline residue is weakly conserved and there is a moderate physicochemical difference between proline and leucine. In summary, the available evidence is currently insufficient to determine the role of this variant in disease. Therefore, it has been classified as a Variant of Uncertain Significance. Algorithms developed to predict the effect of missense changes on protein structure and function are either unavailable or do not agree on the potential impact of this missense change (SIFT: "Tolerated"; PolyPhen-2: "Probably Damaging"; Align-GVGD: "Class C0"). This variant has not been reported in the literature in individuals with GATA2-related disease. This variant is not present in population databases (ExAC no frequency).

NM_032638.5(GATA2):c.425C>T (p.Pro142Leu)

Gene: GATA2 (GATA binding protein 2; minus strand). Cytogenetic location: 3q21.3.
Variant type: single nucleotide variant.
Coding change: c.425C>T on transcript NM_032638.5 (MANE Select); coding-DNA position 425, C replaced by T.
Protein change: p.Pro142Leu; replaces proline 142 with leucine.
Molecular consequence: missense variant.
Genome position (GRCh38, 1-based): chr3:128,486,173, G>A on the plus strand (C>T on the coding strand, the complement: GATA2 is on the minus strand). VCF-style: chr3-128486173-G-A. GRCh37 (hg19) VCF-style: chr3-128205016-G-A.
Other names: c.425C>T, p.Pro142Leu (NM_001145661.2, NM_001145662.1); short protein forms P142L.
Identifiers: ClinVar variation 663146 (VCV000663146.8), dbSNP rs1308814048, ClinGen allele CA354406794.